The following is an entry in ClinVar:

NM_006494.4(ERF):c.1326_1327insCA (p.Ile443fs)

Gene: ERF (ETS2 repressor factor; minus strand). Cytogenetic location: 19q13.2.
Variant type: Insertion.
Coding change: c.1326_1327insCA on transcript NM_006494.4 (MANE Select); coding-DNA positions 1326 to 1327, CA inserted.
Protein change: p.Ile443fs; shifts the reading frame from isoleucine 443.
Molecular consequence: frameshift variant.
Genome position: GRCh38 VCF-style: chr19-42248785-T-TTG. GRCh37 (hg19) VCF-style: chr19-42752937-T-TTG.
Other names: c.1101_1102insCA, p.Ile368fs (NM_001301035.2, NM_001308402.2, NM_001312656.2); short protein forms I368fs, I443fs.
Identifiers: ClinVar variation 1307735 (VCV001307735.2), dbSNP rs2146948069, ClinGen allele CA2573054783.

ClinVar aggregate classification (germline): Uncertain significance (1 of 4 stars; one submission).

Submission:

GeneDx
Classification: Uncertain significance. Last evaluated: 2019-08-12. Review status: criteria provided, single submitter. Criteria: GeneDx Variant Classification Process June 2021. Collection method: clinical testing. Allele origin: germline. Affected: yes.
Comment: Not observed in large population cohorts (Lek et al., 2016); Frameshift variant predicted to result in protein truncation, as the last 106 amino acids are lost and replaced with 88 incorrect amino acids, although loss-of-function variants have not been reported downstream of this position in the protein; Has not been previously published as pathogenic or benign to our knowledge